The following is an entry in ClinVar:

ClinVar aggregate classification (germline): Uncertain significance (1 of 4 stars; one submission).

Conditions:
Combined immunodeficiency due to LRBA deficiency. Also called: Common variable immunodeficiency 8, with autoimmunity. Identifiers: Orphanet 445018, MedGen C3553512, MONDO:0013863, OMIM 614700.

Submission:

Labcorp Genetics (formerly Invitae), Labcorp
Classification: Uncertain significance for Combined immunodeficiency due to LRBA deficiency. Last evaluated: 2025-09-15. Review status: criteria provided, single submitter. Criteria: Invitae Variant Classification Sherloc (09022015). Collection method: clinical testing. Allele origin: germline.
Comment: This sequence change replaces aspartic acid, which is acidic and polar, with glycine, which is neutral and non-polar, at codon 1046 of the LRBA protein (p.Asp1046Gly). This variant is not present in population databases (gnomAD no frequency). This variant has not been reported in the literature in individuals affected with LRBA-related conditions. An algorithm developed to predict the effect of missense changes on protein structure and function outputs the following: PolyPhen-2: "Benign". The glycine amino acid residue is found in multiple mammalian species, which suggests that this missense change does not adversely affect protein function. In summary, the available evidence is currently insufficient to determine the role of this variant in disease. Therefore, it has been classified as a Variant of Uncertain Significance.

NM_001364905.1(LRBA):c.3137A>G (p.Asp1046Gly)

Gene: LRBA (LPS responsive beige-like anchor protein; minus strand). Cytogenetic location: 4q31.3.
Variant type: single nucleotide variant.
Coding change: c.3137A>G on transcript NM_001364905.1 (MANE Select); coding-DNA position 3137, A replaced by G.
Protein change: p.Asp1046Gly; replaces aspartic acid 1046 with glycine.
Molecular consequence: missense variant.
Genome position (GRCh38, 1-based): chr4:150,852,573, T>C on the plus strand (A>G on the coding strand, the complement: LRBA is on the minus strand). VCF-style: chr4-150852573-T-C. GRCh37 (hg19) VCF-style: chr4-151773725-T-C.
Other names: c.3137A>G, p.Asp1046Gly (NM_001199282.3, NM_001367550.1, NM_001440430.1 and 2 more transcripts); short protein forms D1046G.
Identifiers: ClinVar variation 4727240 (VCV004727240.1).